The following is an entry in ClinVar:

ClinVar aggregate classification (germline): Uncertain significance (1 of 4 stars; one submission).

Conditions:
Corneal intraepithelial dyskeratosis-palmoplantar hyperkeratosis-laryngeal dyskeratosis syndrome. Also called: Palmoplantar carcinoma, multiple self-healing. Identifiers: Orphanet 352662, MedGen C3808876, MONDO:0014089, OMIM 615225.

Submission:

OLLIN Analises Genomicas, OLLIN
Classification: Uncertain significance for Corneal intraepithelial dyskeratosis-palmoplantar hyperkeratosis-laryngeal dyskeratosis syndrome. Last evaluated: 2026-08-06. Review status: criteria provided, single submitter. Criteria: ACMG Guidelines 2015 PMID 25741868. Collection method: clinical testing. Allele origin: germline.
Comment: This missense variant, located in exon 1 (of 17), is absent from gnomAD and ClinVar and has not been identified in the literature. In silico analysis predicts that this variant has a tolerated effect. According to the currently available evidence, this variant has been classified as uncertain significance (PM2_P, BP4_M).

NM_033004.4(NLRP1):c.108C>A (p.Ser36Arg)

Genes: NLRP1 (NLR family pyrin domain containing 1; minus strand), LOC126862475 (CDK7 strongly-dependent group 2 enhancer GRCh37_chr17:5487167-5488366; plus strand). Cytogenetic location: 17p13.2.
Variant type: single nucleotide variant.
Coding change: c.108C>A on transcript NM_033004.4 (MANE Select); coding-DNA position 108, C replaced by A.
Protein change: p.Ser36Arg; replaces serine 36 with arginine.
Molecular consequence: missense variant.
Genome position (GRCh38, 1-based): chr17:5,583,850, G>T on the plus strand (C>A on the coding strand, the complement: NLRP1 is on the minus strand). VCF-style: chr17-5583850-G-T. GRCh37 (hg19) VCF-style: chr17-5487170-G-T.
Other names: c.108C>A, p.Ser36Arg (NM_001033053.3, NM_014922.5, NM_033006.4 and 1 more transcripts); short protein forms S36R.
Identifiers: ClinVar variation 5003011 (VCV005003011.1).